The following is an entry in ClinVar:

NM_002529.4(NTRK1):c.1380T>A (p.Asp460Glu)

Gene: NTRK1 (neurotrophic receptor tyrosine kinase 1; plus strand). Cytogenetic location: 1q23.1.
Variant type: single nucleotide variant.
Coding change: c.1380T>A on transcript NM_002529.4 (MANE Select); coding-DNA position 1380, T replaced by A.
Protein change: p.Asp460Glu; replaces aspartic acid 460 with glutamic acid.
Molecular consequence: missense variant.
Genome position (GRCh38, 1-based): chr1:156,875,545, T>A. VCF-style: chr1-156875545-T-A. GRCh37 (hg19) VCF-style: chr1-156845337-T-A.
Other names: c.1272T>A, p.Asp424Glu (NM_001007792.1); c.1362T>A, p.Asp454Glu (NM_001012331.2); short protein forms D424E, D454E, D460E.
Identifiers: ClinVar variation 1477974 (VCV001477974.8), dbSNP rs2102915214, ClinGen allele CA342937269.
Genomic context (GRCh38, chr1:156,875,545, plus strand): 5'-GCAAACCCCTCCATGCGGCTGTGTCTCCTCTCTAGGCCCGGCTGTGCTGGCTCCAGAGGA[T>A]GGGCTGGCCATGTCCCTGCATTTCATGACATTGGGTGGCAGCTCCCTGTCCCCCACCGAG-3'
Protein context (NP_002520.2, residues 450-470): INRPAVLAPE[Asp460Glu]GLAMSLHFMT

ClinVar aggregate classification (germline): Uncertain significance (1 of 4 stars; one submission).

Conditions:
Hereditary insensitivity to pain with anhidrosis (CIPA). Also called: NTRK1 Congenital Insensitivity to Pain with Anhidrosis; hereditary sensory and autonomic neuropathy type 4; INSENSITIVITY TO PAIN, CONGENITAL, WITH ANHIDROSIS; FAMILIAL DYSAUTONOMIA, TYPE II; NEUROPATHY, CONGENITAL SENSORY, WITH ANHIDROSIS; HSAN Type IV. Identifiers: Orphanet 642, MedGen C0020074, MONDO:0009746, OMIM 256800.

Submission:

Labcorp Genetics (formerly Invitae), Labcorp
Classification: Uncertain significance for Hereditary insensitivity to pain with anhidrosis. Last evaluated: 2022-04-21. Review status: criteria provided, single submitter. Criteria: Invitae Variant Classification Sherloc (09022015). Collection method: clinical testing. Allele origin: germline.
Comment: In summary, the available evidence is currently insufficient to determine the role of this variant in disease. Therefore, it has been classified as a Variant of Uncertain Significance. Advanced modeling of protein sequence and biophysical properties (such as structural, functional, and spatial information, amino acid conservation, physicochemical variation, residue mobility, and thermodynamic stability) performed at Invitae indicates that this missense variant is not expected to disrupt NTRK1 protein function. This variant has not been reported in the literature in individuals affected with NTRK1-related conditions. This variant is not present in population databases (gnomAD no frequency). This sequence change replaces aspartic acid, which is acidic and polar, with glutamic acid, which is acidic and polar, at codon 454 of the NTRK1 protein (p.Asp454Glu).